The following is an entry in ClinVar:

ClinVar aggregate classification (germline): Uncertain significance (1 of 4 stars; one submission).

Conditions:
Chédiak-Higashi syndrome (CHS). Also called: Chediak-Higashi Syndrome. Identifiers: Orphanet 167, MedGen C0007965, MONDO:0008963, OMIM 214500.

Allele frequency attached by ClinVar (database versions not stated): gnomAD exomes below 0.00001.
gnomAD v4.1: 2 of 1,614,012 alleles (0.00012%); highest among the groups gnomAD compares: Non-Finnish European, 0.00017%; no homozygotes.

Submission:

Labcorp Genetics (formerly Invitae), Labcorp
Classification: Uncertain significance for Chédiak-Higashi syndrome. Last evaluated: 2024-04-08. Review status: criteria provided, single submitter. Criteria: Invitae Variant Classification Sherloc (09022015). Collection method: clinical testing. Allele origin: germline.
Comment: This sequence change replaces isoleucine, which is neutral and non-polar, with valine, which is neutral and non-polar, at codon 3358 of the LYST protein (p.Ile3358Val). This variant is not present in population databases (gnomAD no frequency). This variant has not been reported in the literature in individuals affected with LYST-related conditions. ClinVar contains an entry for this variant (Variation ID: 1041960). Advanced modeling of protein sequence and biophysical properties (such as structural, functional, and spatial information, amino acid conservation, physicochemical variation, residue mobility, and thermodynamic stability) performed at Invitae indicates that this missense variant is not expected to disrupt LYST protein function with a negative predictive value of 80%. In summary, the available evidence is currently insufficient to determine the role of this variant in disease. Therefore, it has been classified as a Variant of Uncertain Significance.

NM_000081.4(LYST):c.10072A>G (p.Ile3358Val)

Genes: LYST (lysosomal trafficking regulator; minus strand), LOC126806063 (MED14-independent group 3 enhancer GRCh37_chr1:235871544-235872743; plus strand). Cytogenetic location: 1q42.3.
Variant type: single nucleotide variant.
Coding change: c.10072A>G on transcript NM_000081.4 (MANE Select); coding-DNA position 10072, A replaced by G.
Protein change: p.Ile3358Val; replaces isoleucine 3358 with valine.
Molecular consequence: missense variant.
Genome position (GRCh38, 1-based): chr1:235,709,162, T>C on the plus strand (A>G on the coding strand, the complement: LYST is on the minus strand). VCF-style: chr1-235709162-T-C. GRCh37 (hg19) VCF-style: chr1-235872462-T-C.
Other names: c.10072A>G, p.Ile3358Val (NM_001301365.1); short protein forms I3358V.
Identifiers: ClinVar variation 1041960 (VCV001041960.5), dbSNP rs2527363527, ClinGen allele CA344934895.